The following is an entry in ClinVar:

ClinVar aggregate classification (germline): Pathogenic. Review status: criteria provided, multiple submitters, no conflicts (2 of 4 stars). 2 submissions from 2 submitters: Pathogenic (2). Last evaluated 2026-05-30.

Conditions:
Multiple mitochondrial dysfunctions syndrome 1 (MMDS1). Identifiers: Orphanet 401869, MedGen C3276432, MONDO:0011582, OMIM 605711.

Allele frequency attached by ClinVar (database versions not stated): gnomAD 0.00001; gnomAD exomes below 0.00001 and 0.00001; TOPMed 0.00001.
gnomAD v4.1: 14 of 1,586,374 alleles (0.00088%); highest among the groups gnomAD compares: East Asian, 0.0045%; no homozygotes.

Submissions (2):

GeneDx
Classification: Pathogenic. Last evaluated: 2026-05-30. Review status: criteria provided, single submitter. Criteria: GeneDx Variant Classification Process June 2021. Collection method: clinical testing. Allele origin: germline.
Comment: Not observed at significant frequency in large population cohorts (gnomAD); In silico analysis supports that this missense variant has a deleterious effect on protein structure/function; This variant is associated with the following publications: (PMID: 34426522, 31589614, 34440194, 32005694, 25918518, 31501239, 32747156, 31970900, 34490615, 34298581, 29441221, 40597352, 21944046)

Institute of Human Genetics Munich, TUM University Hospital
Classification: Pathogenic for Multiple mitochondrial dysfunctions syndrome 1. Last evaluated: 2017-12-07. Review status: criteria provided, single submitter. Criteria: Classification criteria August 2017. Collection method: clinical testing. Allele origin: germline. Inheritance: Autosomal recessive inheritance. Affected: yes. Observed: 1 compound heterozygote.

NM_001002755.4(NFU1):c.544C>T (p.Arg182Trp)

Gene: NFU1 (NFU1 iron-sulfur cluster scaffold; minus strand). Cytogenetic location: 2p13.3.
Variant type: single nucleotide variant.
Coding change: c.544C>T on transcript NM_001002755.4 (MANE Select); coding-DNA position 544, C replaced by T.
Protein change: p.Arg182Trp; replaces arginine 182 with tryptophan.
Molecular consequence: missense variant. On other transcripts: non-coding transcript variant (2).
Genome position (GRCh38, 1-based): chr2:69,406,023, G>A on the plus strand (C>T on the coding strand, the complement: NFU1 is on the minus strand). VCF-style: chr2-69406023-G-A. GRCh37 (hg19) VCF-style: chr2-69633155-G-A.
Other names: c.121C>T, p.Arg41Trp (NM_001002756.2); c.472C>T, p.Arg158Trp (NM_001374284.1, NM_015700.4); c.544C>T (NM_001002755.2); short protein forms R182W, R158W, R41W.
Identifiers: ClinVar variation 488564 (VCV000488564.5), dbSNP rs1354126704, ClinGen allele CA347123810.